The following is an entry in ClinVar:

NM_000069.3(CACNA1S):c.2583T>C (p.Gly861=)

Gene: CACNA1S (calcium voltage-gated channel subunit alpha1 S; minus strand). Cytogenetic location: 1q32.1.
Variant type: single nucleotide variant.
Coding change: c.2583T>C on transcript NM_000069.3 (MANE Select); coding-DNA position 2583, T replaced by C.
Protein change: p.Gly861=; no amino-acid change (glycine 861 retained).
Molecular consequence: synonymous variant.
Genome position (GRCh38, 1-based): chr1:201,066,961, A>G on the plus strand (T>C on the coding strand, the complement: CACNA1S is on the minus strand). VCF-style: chr1-201066961-A-G. GRCh37 (hg19) VCF-style: chr1-201036089-A-G.
Identifiers: ClinVar variation 3069328 (VCV003069328.1), dbSNP rs2464524315, ClinGen allele CA422687096.
Genomic context (GRCh38, chr1:201,066,961, plus strand): 5'-GATGAGGGACACGGCCACCACCAGCAGGTCCAGCATGTTGAAGTAATTGCGGCAGAAGGA[A>G]CCCTTGTGCAGGAAGGCTCCGTAGGTCGTCATCTGGGGAGAAAGAGGCAGCAGCCTGGAT-3'
Protein context (NP_000060.2, residues 851-871): MTTYGAFLHK[Gly861=]SFCRNYFNML

ClinVar aggregate classification (germline): Likely benign (1 of 4 stars; one submission).

Conditions:
Malignant hyperthermia, susceptibility to, 5 (MHS5). Also called: CACNA1S-Related Malignant Hyperthermia Susceptibility. Identifiers: Orphanet 423, MedGen C1866077, MONDO:0011163, OMIM 601887.

Submission:

All of Us Research Program, National Institutes of Health
Classification: Likely benign for Malignant hyperthermia, susceptibility to, 5. Last evaluated: 2023-01-10. Review status: criteria provided, single submitter. Criteria: ACMG Guidelines, 2015. Collection method: clinical testing. Allele origin: germline. Inheritance: Autosomal dominant inheritance. Observed: 1 variant allele, 1 heterozygote.
Comment: This study involves interpretation of variants in research participants for the purpose of population health screening. Participant phenotype was not available at the time of variant classification. Additional details can be found in publication PMID: 35346344, PMCID: PMC8962531